The following is an entry in ClinVar:

ClinVar aggregate classification (germline): Likely benign (0 of 4 stars; one submission).

Conditions:
SPG11-related disorder. Also called: SPG11-related condition.

Allele frequency attached by ClinVar (database versions not stated): TOPMed 0.00004; gnomAD 0.00005; ExAC 0.00006; ESP Exome Variant Server 0.00023.

Submission:

PreventionGenetics, part of Exact Sciences
Classification: Likely benign for SPG11-related condition. Last evaluated: 2019-03-08. Review status: no assertion criteria provided. Collection method: clinical testing. Allele origin: germline.
Comment: This variant is classified as likely benign based on ACMG/AMP sequence variant interpretation guidelines (Richards et al. 2015 PMID: 25741868, with internal and published modifications).

NM_025137.4(SPG11):c.*3G>A

Gene: SPG11 (SPG11 vesicle trafficking associated, spatacsin; minus strand). Cytogenetic location: 15q21.1.
Variant type: single nucleotide variant.
Coding change: c.*3G>A on transcript NM_025137.4 (MANE Select); 3 bases downstream of the stop codon, G replaced by A.
Molecular consequence: 3 prime UTR variant.
Genome position (GRCh38, 1-based): chr15:44,563,118, C>T on the plus strand (G>A on the coding strand, the complement: SPG11 is on the minus strand). VCF-style: chr15-44563118-C-T. GRCh37 (hg19) VCF-style: chr15-44855316-C-T.
Other names: c.*3G>A (NM_001160227.2, NM_001411132.1).
Identifiers: ClinVar variation 3046341 (VCV003046341.2), dbSNP rs373865108, ClinGen allele CA7533817.